The following is an entry in ClinVar:

NM_177550.5(SLC13A5):c.556G>A (p.Val186Met)

Gene: SLC13A5 (solute carrier family 13 member 5; minus strand). Cytogenetic location: 17p13.1.
Variant type: single nucleotide variant.
Coding change: c.556G>A on transcript NM_177550.5 (MANE Select); coding-DNA position 556, G replaced by A.
Protein change: p.Val186Met; replaces valine 186 with methionine.
Molecular consequence: missense variant.
Genome position (GRCh38, 1-based): chr17:6,703,130, C>T on the plus strand (G>A on the coding strand, the complement: SLC13A5 is on the minus strand). VCF-style: chr17-6703130-C-T. GRCh37 (hg19) VCF-style: chr17-6606449-C-T.
Other names: c.556G>A, p.Val186Met (NM_001143838.3); c.505G>A, p.Val169Met (NM_001284509.2); c.427G>A, p.Val143Met (NM_001284510.2); short protein forms V143M, V169M, V186M.
Identifiers: ClinVar variation 1712118 (VCV001712118.2), dbSNP rs767264479, ClinGen allele CA8331672.

ClinVar aggregate classification (germline): Uncertain significance (1 of 4 stars; one submission).

Allele frequency attached by ClinVar (database versions not stated): gnomAD exomes below 0.00001; ExAC 0.00001; TOPMed 0.00001.
gnomAD v4.1: 1 of 1,614,072 alleles (0.000062%); highest among the groups gnomAD compares: Admixed American, 0.0017%; no homozygotes.

Submission:

GeneDx
Classification: Uncertain significance. Last evaluated: 2022-04-20. Review status: criteria provided, single submitter. Criteria: GeneDx Variant Classification Process June 2021. Collection method: clinical testing. Allele origin: germline. Affected: yes.
Comment: Not observed at significant frequency in large population cohorts (gnomAD); In silico analysis supports that this missense variant does not alter protein structure/function; Has not been previously published as pathogenic or benign to our knowledge